The following is an entry in ClinVar:

NM_173689.7(CRB2):c.2277G>A (p.Trp759Ter)

Gene: CRB2 (crumbs cell polarity complex component 2; plus strand). Cytogenetic location: 9q33.3.
Variant type: single nucleotide variant.
Coding change: c.2277G>A on transcript NM_173689.7 (MANE Select); coding-DNA position 2277, G replaced by A.
Protein change: p.Trp759Ter; replaces tryptophan 759 with a stop codon.
Molecular consequence: nonsense. On other transcripts: non-coding transcript variant (1).
Genome position (GRCh38, 1-based): chr9:123,371,419, G>A. VCF-style: chr9-123371419-G-A. GRCh37 (hg19) VCF-style: chr9-126133698-G-A.
Other names: short protein forms W759*.
Identifiers: ClinVar variation 180704 (VCV000180704.11), dbSNP rs375072557, ClinGen allele CA5232165.
Genomic context (GRCh38, chr9:123,371,419, plus strand): 5'-GGACCTGGGGCAGCACGTGCACGTGGGTGGGAGGCTCCTTGCTGCCGACAGCCAGCCCTG[G>A]GGTGGGCCCTTCCGAGGCTGCCTCCAGGACCTGCGACTCGATGGCTGCCACCTCCCCTTC-3'

ClinVar aggregate classification (germline): Pathogenic. Review status: criteria provided, multiple submitters, no conflicts (2 of 4 stars). 3 submissions from 3 submitters: Pathogenic (2). 1 of the submissions does not count toward it. Last evaluated 2023-04-26.

Conditions:
Ventriculomegaly-cystic kidney disease. Also called: Ventriculomegaly with cystic kidney disease. Identifiers: Orphanet 443988, MedGen C1857423, MONDO:0009063, OMIM 219730.

Allele frequency attached by ClinVar (database versions not stated): gnomAD 0.00001; gnomAD exomes 0.00001 and 0.00008; ExAC 0.00002; TOPMed 0.00002; ESP Exome Variant Server 0.00008.
gnomAD v4.1: 122 of 1,612,280 alleles (0.0076%); highest among the groups gnomAD compares: Non-Finnish European, 0.01%; no homozygotes.

Submissions (3):

GeneDx
Classification: Pathogenic. Last evaluated: 2023-04-26. Review status: criteria provided, single submitter. Criteria: GeneDx Variant Classification Process June 2021. Collection method: clinical testing. Allele origin: germline. Affected: yes.
Comment: Observed with a second CRB2 variant on the opposite allele (in trans) in two sibling fetuses with renal microcysts and ventriculomegaly (Slavotinek et al., 2015); Nonsense variant predicted to result in protein truncation or nonsense mediated decay in a gene for which loss of function is a known mechanism of disease; Not observed at significant frequency in large population cohorts (gnomAD); This variant is associated with the following publications: (PMID: 28425981, 25557780, 36685964, 36549870)

Labcorp Genetics (formerly Invitae), Labcorp
Classification: Pathogenic. Last evaluated: 2021-01-25. Review status: criteria provided, single submitter. Criteria: Invitae Variant Classification Sherloc (09022015). Collection method: clinical testing. Allele origin: germline.
Comment: For these reasons, this variant has been classified as Pathogenic. This variant has been observed in individual(s) with clinical features of focal segmental glomerulosclerosis (PMID: 25557780). It has also been observed to segregate with disease in related individuals. ClinVar contains an entry for this variant (Variation ID: 180704). This variant is present in population databases (rs375072557, ExAC 0.003%). This sequence change creates a premature translational stop signal (p.Trp759*) in the CRB2 gene. It is expected to result in an absent or disrupted protein product. Loss-of-function variants in CRB2 are known to be pathogenic (PMID: 27942854, 30212996).

OMIM
Classification: Pathogenic for VENTRICULOMEGALY WITH CYSTIC KIDNEY DISEASE. Last evaluated: 2015-01-08. Review status: no assertion criteria provided. Collection method: literature only. Allele origin: germline. Not counted in ClinVar's aggregate classification.

Literature cited by the submitters: PubMed 25557780 (cited by Labcorp Genetics (formerly Invitae), Labcorp and OMIM); PubMed 27942854 (cited by Labcorp Genetics (formerly Invitae), Labcorp); PubMed 30212996 (cited by Labcorp Genetics (formerly Invitae), Labcorp).